The following is an entry in ClinVar:

NM_001282534.2(KCNK9):c.595A>G (p.Thr199Ala)

Gene: KCNK9 (potassium two pore domain channel subfamily K member 9; minus strand). Cytogenetic location: 8q24.3.
Variant type: single nucleotide variant.
Coding change: c.595A>G on transcript NM_001282534.2 (MANE Select); coding-DNA position 595, A replaced by G.
Protein change: p.Thr199Ala; replaces threonine 199 with alanine.
Molecular consequence: missense variant. On other transcripts: non-coding transcript variant (1).
Genome position (GRCh38, 1-based): chr8:139,618,788, T>C on the plus strand (A>G on the coding strand, the complement: KCNK9 is on the minus strand). VCF-style: chr8-139618788-T-C. GRCh37 (hg19) VCF-style: chr8-140631031-T-C.
Other names: short protein forms T199A.
Identifiers: ClinVar variation 4854640 (VCV004854640.1).

ClinVar aggregate classification (germline): Likely pathogenic (1 of 4 stars; one submission).

Conditions:
Birk-Barel syndrome. Also called: KCNK9 Imprinting Syndrome; MENTAL RETARDATION WITH HYPOTONIA AND FACIAL DYSMORPHISM. Identifiers: Orphanet 166108, MedGen C2676770, MONDO:0012856, OMIM 612292.

Submission:

3billion
Classification: Likely pathogenic for Birk-Barel syndrome. Last evaluated: 2025-11-19. Review status: criteria provided, single submitter. Criteria: ACMG Guidelines, 2015. Collection method: clinical testing. Allele origin: germline. Affected: yes.
Comment: The variant is not observed in the gnomAD v4.1.0 dataset. Predicted Consequence/Location: Missense variant. Missense changes are a common disease-causing mechanism. Functional studies provide moderate evidence of the variant having a damaging effect on the gene or gene product (PMID: 35698242). In silico tool predictions suggest damaging effect of the variant on gene or gene product [REVEL: 0.88 (>=0.6, sensitivity 0.68 and specificity 0.92); 3Cnet: 0.90 (> 0.75, sensitivity 0.96 and precision 0.92)]. The same nucleotide change resulting in the same amino acid change has been previously reported to be associated with KCNK9-related disorder (PMID: 35698242). Therefore, this variant is classified as Likely pathogenic according to the recommendation of ACMG/AMP guideline.

Literature cited by the submitters: PubMed 35698242.